The following is an entry in ClinVar:

ClinVar aggregate classification (germline): Pathogenic (1 of 4 stars; one submission).

Submission:

Labcorp Genetics (formerly Invitae), Labcorp
Classification: Pathogenic. Last evaluated: 2023-04-17. Review status: criteria provided, single submitter. Criteria: Invitae Variant Classification Sherloc (09022015). Collection method: clinical testing. Allele origin: germline.
Comment: For these reasons, this variant has been classified as Pathogenic. This variant has not been reported in the literature in individuals affected with MCM3AP-related conditions. This variant is not present in population databases (gnomAD no frequency). This sequence change creates a premature translational stop signal (p.Asn246*) in the MCM3AP gene. It is expected to result in an absent or disrupted protein product. Loss-of-function variants in MCM3AP are known to be pathogenic (PMID: 28633435).

Literature cited by the submitters: PubMed 28633435.

NM_003906.5(MCM3AP):c.734dup (p.Ser245_Asn246insTer)

Gene: MCM3AP (minichromosome maintenance complex component 3 associated protein; minus strand). Cytogenetic location: 21q22.3.
Variant type: Duplication.
Coding change: c.734dup on transcript NM_003906.5 (MANE Select); coding-DNA position 734, one base duplicated (C; older notation c.734dupC).
Protein change: p.Ser245_Asn246insTer.
Molecular consequence: frameshift variant.
Genome position (GRCh38, 1-based): chr21:46,284,553, G duplicated on the plus strand (C on the coding strand, the reverse complement: MCM3AP is on the minus strand). VCF-style (leftmost placement, unchanged base first): chr21-46284552-A-AG. GRCh37 (hg19) VCF-style: chr21-47704466-A-AG.
Identifiers: ClinVar variation 2857150 (VCV002857150.3), dbSNP rs2517438242, ClinGen allele CA2739267744.